The following is an entry in ClinVar:

NM_004618.5(TOP3A):c.134C>T (p.Ala45Val)

Genes: TOP3A (DNA topoisomerase III alpha; minus strand), LOC130060427 (ATAC-STARR-seq lymphoblastoid active region 11836; plus strand). Cytogenetic location: 17p11.2.
Variant type: single nucleotide variant.
Coding change: c.134C>T on transcript NM_004618.5 (MANE Select); coding-DNA position 134, C replaced by T.
Protein change: p.Ala45Val; replaces alanine 45 with valine.
Molecular consequence: missense variant. On other transcripts: 5 prime UTR variant (1).
Genome position (GRCh38, 1-based): chr17:18,314,645, G>A on the plus strand (C>T on the coding strand, the complement: TOP3A is on the minus strand). VCF-style: chr17-18314645-G-A. GRCh37 (hg19) VCF-style: chr17-18217959-G-A.
Other names: c.-78C>T (NM_001320759.2); c.134C>T (NM_004618.4, NM_004618.3); short protein forms A45V.
Identifiers: ClinVar variation 2164598 (VCV002164598.8), dbSNP rs559137278, ClinGen allele CA8430351.
Genomic context (GRCh38, chr17:18,314,645, plus strand): 5'-ACGCGCTTTCTTACCCGCCTCATGCGACCGTTTGACAGCAGGTCGGCGATCCCCTTGGCC[G>A]CGTCGTTTTTTTCGGCCACACAGAGGACTTTCCGCACGCCTCGGAGGGCCATCTCCATGG-3'
Protein context (NP_004609.1, residues 35-55): KVLCVAEKND[Ala45Val]AKGIADLLSN

ClinVar aggregate classification (germline): Conflicting classifications of pathogenicity. Review status: criteria provided, conflicting classifications (1 of 4 stars). 4 submissions from 4 submitters: Uncertain significance (2); Likely benign (1). 1 of the submissions does not count toward it. Last evaluated 2025-04-11.

Conditions:
TOP3A-related disorder. Also called: TOP3A-related condition; TOP3A-related disorders.
Inborn genetic diseases. Identifiers: MedGen C0950123, MeSH D030342.

Allele frequency attached by ClinVar (database versions not stated): gnomAD 0.00013; gnomAD exomes 0.00014; TOPMed 0.00023; ExAC 0.00040; 1000 Genomes Project 30x 0.00062; 1000 Genomes Project 0.00080.
gnomAD v4.1: 226 of 1,613,310 alleles (0.014%); highest among the groups gnomAD compares: East Asian, 0.4%; no homozygotes.

Submissions (4):

Labcorp Genetics (formerly Invitae), Labcorp
Classification: Likely benign. Last evaluated: 2025-04-11. Review status: criteria provided, single submitter. Criteria: Invitae Variant Classification Sherloc (09022015). Collection method: clinical testing. Allele origin: germline.

Blueprint Genetics
Classification: Uncertain significance. Last evaluated: 2024-11-05. Review status: criteria provided, single submitter. Criteria: ACMG Guidelines, 2015. Collection method: clinical testing. Allele origin: germline.

Ambry Genetics
Classification: Uncertain significance for Inborn genetic diseases. Last evaluated: 2024-03-25. Review status: criteria provided, single submitter. Criteria: Ambry Variant Classification Scheme 2023. Collection method: clinical testing. Allele origin: germline.

PreventionGenetics, part of Exact Sciences
Classification: Likely benign for TOP3A-related condition. Last evaluated: 2022-08-20. Review status: no assertion criteria provided. Collection method: clinical testing. Allele origin: germline. Not counted in ClinVar's aggregate classification.
Comment: This variant is classified as likely benign based on ACMG/AMP sequence variant interpretation guidelines (Richards et al. 2015 PMID: 25741868, with internal and published modifications).